The following is an entry in ClinVar:

ClinVar aggregate classification (germline): Likely benign. Review status: criteria provided, multiple submitters, no conflicts (2 of 4 stars). 6 submissions from 6 submitters: Likely benign (5). 1 of the submissions does not count toward it. Last evaluated 2025-12-14.

Conditions:
Mucopolysaccharidosis, MPS-III-A (MPS3A). Also called: Mucopolysaccharidosis type IIIA (Sanfilippo A); MPS III A; MPS IIIA (Sanfilippo Syndrome Type A); HEPARAN SULFATE SULFATASE DEFICIENCY; SANFILIPPO SYNDROME A; SULFAMIDASE DEFICIENCY. Identifiers: Orphanet 581, Orphanet 79269, MedGen C0086647, MONDO:0009655, OMIM 252900.

Allele frequency attached by ClinVar (database versions not stated): gnomAD 0.00003; TOPMed 0.00005; ExAC 0.00008; ESP Exome Variant Server 0.00008; 1000 Genomes Project 30x 0.00016; 1000 Genomes Project 0.00020.
gnomAD v4.1: 90 of 1,601,588 alleles (0.0056%); highest among the groups gnomAD compares: Middle Eastern, 0.099%; no homozygotes.

Submissions (6):

Labcorp Genetics (formerly Invitae), Labcorp
Classification: Likely benign for Mucopolysaccharidosis, MPS-III-A. Last evaluated: 2025-12-14. Review status: criteria provided, single submitter. Criteria: Invitae Variant Classification Sherloc (09022015). Collection method: clinical testing. Allele origin: germline.

Women's Health and Genetics/Laboratory Corporation of America, LabCorp
Classification: Likely benign. Last evaluated: 2025-11-04. Review status: criteria provided, single submitter. Criteria: LabCorp Variant Classification Summary - May 2015. Collection method: clinical testing. Allele origin: germline.

Blueprint Genetics
Classification: Likely benign. Last evaluated: 2024-10-15. Review status: criteria provided, single submitter. Criteria: ACMG Guidelines, 2015. Collection method: clinical testing. Allele origin: germline.

CeGaT Center for Human Genetics Tuebingen
Classification: Likely benign. Last evaluated: 2022-04-01. Review status: criteria provided, single submitter. Criteria: CeGaT Center For Human Genetics Tuebingen Variant Classification Criteria Version 2. Collection method: clinical testing. Allele origin: germline. Affected: yes. Observed: 1 variant allele.
Comment: SGSH: BP4, BP7

Breakthrough Genomics
Classification: Likely benign. Review status: criteria provided, single submitter. Criteria: ACMG Guidelines, 2015. Collection method: not provided. Allele origin: germline. Inheritance: Autosomal recessive inheritance. Affected: yes.

Natera, Inc.
Classification: Likely benign for Mucopolysaccharidosis type IIIA. Last evaluated: 2020-05-04. Review status: no assertion criteria provided. Collection method: clinical testing. Allele origin: germline. Not counted in ClinVar's aggregate classification.

NM_000199.5(SGSH):c.117G>A (p.Ala39=)

Gene: SGSH (N-sulfoglucosamine sulfohydrolase; minus strand). Cytogenetic location: 17q25.3.
Variant type: single nucleotide variant.
Coding change: c.117G>A on transcript NM_000199.5 (MANE Select); coding-DNA position 117, G replaced by A.
Protein change: p.Ala39=; no amino-acid change (alanine 39 retained).
Molecular consequence: synonymous variant. On other transcripts: non-coding transcript variant (1).
Genome position (GRCh38, 1-based): chr17:80,217,164, C>T on the plus strand (G>A on the coding strand, the complement: SGSH is on the minus strand). VCF-style: chr17-80217164-C-T. GRCh37 (hg19) VCF-style: chr17-78190963-C-T.
Other names: c.117G>A, p.Ala39= (NM_001352921.3, NM_001352922.2).
Identifiers: ClinVar variation 741004 (VCV000741004.36), dbSNP rs201132655, ClinGen allele CA8818168.